The following is an entry in ClinVar:

ClinVar aggregate classification (germline): Conflicting classifications of pathogenicity. Review status: criteria provided, conflicting classifications (1 of 4 stars). 7 submissions from 7 submitters: Uncertain significance (1); Benign (2); Likely benign (3). 1 of the submissions does not count toward it. Last evaluated 2026-03-01.

Conditions:
ADGRV1-related disorder. Also called: ADGRV1-related condition; ADGRV1-related disorders.

Allele frequency attached by ClinVar (database versions not stated): gnomAD exomes 0.00015 and 0.00036; ExAC 0.00042; 1000 Genomes Project 0.00120; 1000 Genomes Project 30x 0.00125; gnomAD 0.00141 and 0.00149; TOPMed 0.00167; ESP Exome Variant Server 0.00199.
gnomAD v4.1: 451 of 1,613,944 alleles (0.028%); highest among the groups gnomAD compares: African/African-American, 0.47%; 1 homozygote.

Submissions (7):

CeGaT Center for Human Genetics Tuebingen
Classification: Likely benign. Last evaluated: 2026-03-01. Review status: criteria provided, single submitter. Criteria: CeGaT Center For Human Genetics Tuebingen Variant Classification Criteria Version 2. Collection method: clinical testing. Allele origin: germline. Affected: yes. Observed: 1 variant allele.
Comment: ADGRV1: BP4, BP7

Labcorp Genetics (formerly Invitae), Labcorp
Classification: Benign. Last evaluated: 2026-01-20. Review status: criteria provided, single submitter. Criteria: Invitae Variant Classification Sherloc (09022015). Collection method: clinical testing. Allele origin: germline.

Blueprint Genetics
Classification: Likely benign. Last evaluated: 2024-11-01. Review status: criteria provided, single submitter. Criteria: ACMG Guidelines, 2015. Collection method: clinical testing. Allele origin: germline.

GeneDx
Classification: Likely benign. Last evaluated: 2019-10-01. Review status: criteria provided, single submitter. Criteria: GeneDx Variant Classification Process June 2021. Collection method: clinical testing. Allele origin: germline. Affected: yes.

Eurofins Ntd Llc (ga)
Classification: Uncertain significance. Last evaluated: 2016-05-26. Review status: criteria provided, single submitter. Criteria: EGL Classification Definitions 2015. Collection method: clinical testing. Allele origin: germline. Observed: 2 variant alleles, 2 heterozygotes.

Laboratory for Molecular Medicine, Mass General Brigham Personalized Medicine
Classification: Benign. Last evaluated: 2015-06-08. Review status: criteria provided, single submitter. Criteria: LMM Criteria. Collection method: clinical testing. Allele origin: germline. Observed: 5 variant alleles.
Comment: Phe5262Phe in Exon 74 of GPR98: This variant is not expected to have clinical si gnificance because it does not alter an amino acid residue, is not located withi n the splice consensus sequence, and has been identified in 0.5% (47/9728) of Af rican chromosomes, including 1 homozygote, by the Exome Aggregation Consortium (ExAC; dbSNP rs369083434).

PreventionGenetics, part of Exact Sciences
Classification: Likely benign for ADGRV1-related condition. Last evaluated: 2019-10-15. Review status: no assertion criteria provided. Collection method: clinical testing. Allele origin: germline. Not counted in ClinVar's aggregate classification.
Comment: This variant is classified as likely benign based on ACMG/AMP sequence variant interpretation guidelines (Richards et al. 2015 PMID: 25741868, with internal and published modifications).

NM_032119.4(ADGRV1):c.15786C>T (p.Phe5262=)

Gene: ADGRV1 (adhesion G protein-coupled receptor V1; plus strand). Cytogenetic location: 5q14.3.
Variant type: single nucleotide variant.
Coding change: c.15786C>T on transcript NM_032119.4 (MANE Select); coding-DNA position 15786, C replaced by T.
Protein change: p.Phe5262=; no amino-acid change (phenylalanine 5262 retained).
Molecular consequence: synonymous variant. On other transcripts: non-coding transcript variant (1).
Genome position (GRCh38, 1-based): chr5:90,811,046, C>T. VCF-style: chr5-90811046-C-T. GRCh37 (hg19) VCF-style: chr5-90106863-C-T.
Identifiers: ClinVar variation 46281 (VCV000046281.27), dbSNP rs369083434, ClinGen allele CA138049.